The following is an entry in ClinVar:

ClinVar aggregate classification (germline): Uncertain significance. Review status: criteria provided, multiple submitters, no conflicts (2 of 4 stars). 2 submissions from 2 submitters: Uncertain significance (2). Last evaluated 2024-06-06.

gnomAD v4.1: 3 of 1,612,104 alleles (0.00019%); highest among the groups gnomAD compares: East Asian, 0.0045%; no homozygotes.

Submissions (2):

GeneDx
Classification: Uncertain significance. Last evaluated: 2024-06-06. Review status: criteria provided, single submitter. Criteria: GeneDx Variant Classification Process June 2021. Collection method: clinical testing. Allele origin: germline. Affected: yes.
Comment: Not observed at significant frequency in large population cohorts (gnomAD); In silico analysis indicates that this missense variant does not alter protein structure/function; Has not been previously published as pathogenic or benign to our knowledge

Labcorp Genetics (formerly Invitae), Labcorp
Classification: Uncertain significance. Last evaluated: 2024-05-08. Review status: criteria provided, single submitter. Criteria: Invitae Variant Classification Sherloc (09022015). Collection method: clinical testing. Allele origin: germline.
Comment: This sequence change replaces proline, which is neutral and non-polar, with glutamine, which is neutral and polar, at codon 30 of the ANKRD26 protein (p.Pro30Gln). This variant is not present in population databases (gnomAD no frequency). This variant has not been reported in the literature in individuals affected with ANKRD26-related conditions. An algorithm developed to predict the effect of missense changes on protein structure and function (PolyPhen-2) suggests that this variant is likely to be tolerated. In summary, the available evidence is currently insufficient to determine the role of this variant in disease. Therefore, it has been classified as a Variant of Uncertain Significance.

NM_014915.3(ANKRD26):c.89C>A (p.Pro30Gln)

Genes: ANKRD26 (ankyrin repeat domain 26; minus strand), LOC130003554 (ATAC-STARR-seq lymphoblastoid silent region 2243; plus strand). Cytogenetic location: 10p12.1.
Variant type: single nucleotide variant.
Coding change: c.89C>A on transcript NM_014915.3 (MANE Select); coding-DNA position 89, C replaced by A.
Protein change: p.Pro30Gln; replaces proline 30 with glutamine.
Molecular consequence: missense variant.
Genome position (GRCh38, 1-based): chr10:27,100,238, G>T on the plus strand (C>A on the coding strand, the complement: ANKRD26 is on the minus strand). VCF-style: chr10-27100238-G-T. GRCh37 (hg19) VCF-style: chr10-27389167-G-T.
Other names: c.89C>A, p.Pro30Gln (NM_001256053.2); short protein forms P30Q.
Identifiers: ClinVar variation 2884674 (VCV002884674.4), dbSNP rs780741494, ClinGen allele CA376369862.